The following is an entry in ClinVar:

NM_052813.5(CARD9):c.860G>C (p.Trp287Ser)

Gene: CARD9 (caspase recruitment domain family member 9; minus strand). Cytogenetic location: 9q34.3.
Variant type: single nucleotide variant.
Coding change: c.860G>C on transcript NM_052813.5 (MANE Select); coding-DNA position 860, G replaced by C.
Protein change: p.Trp287Ser; replaces tryptophan 287 with serine.
Molecular consequence: missense variant.
Genome position (GRCh38, 1-based): chr9:136,370,385, C>G on the plus strand (G>C on the coding strand, the complement: CARD9 is on the minus strand). VCF-style: chr9-136370385-C-G. GRCh37 (hg19) VCF-style: chr9-139264837-C-G.
Other names: c.860G>C, p.Trp287Ser (NM_052814.4); short protein forms W287S.
Identifiers: ClinVar variation 4744470 (VCV004744470.1).
Genomic context (GRCh38, chr9:136,370,385, plus strand): 5'-TCCTTGCGCAGGGAGAAGATGGTGTTGGCCTGCTCCTGGTGGTCCCGCAGCGCCTGCCGC[C>G]AGTCCTCCTCCAGTACCTGGATGTAGGGGCTGCTCCTGTCCAGCTTCCCCTCCTGAAGGG-3'
Protein context (NP_434700.2, residues 277-297): SPYIQVLEED[Trp287Ser]RQALRDHQEQ

ClinVar aggregate classification (germline): Uncertain significance (1 of 4 stars; one submission).

Conditions:
Predisposition to invasive fungal disease due to CARD9 deficiency (IMD103). Also called: IMMUNODEFICIENCY 103, SUSCEPTIBILITY TO FUNGAL INFECTIONS; Candidiasis, familial, 2, autosomal recessive; CARD9 IMMUNODEFICIENCY. Identifiers: Orphanet 457088, MedGen C1859353, MONDO:0008905, OMIM 212050.

Submission:

Labcorp Genetics (formerly Invitae), Labcorp
Classification: Uncertain significance for Predisposition to invasive fungal disease due to CARD9 deficiency. Last evaluated: 2025-06-13. Review status: criteria provided, single submitter. Criteria: Invitae Variant Classification Sherloc (09022015). Collection method: clinical testing. Allele origin: germline.
Comment: This sequence change replaces tryptophan, which is neutral and slightly polar, with serine, which is neutral and polar, at codon 287 of the CARD9 protein (p.Trp287Ser). This variant is not present in population databases (gnomAD no frequency). This variant has not been reported in the literature in individuals affected with CARD9-related conditions. Invitae Evidence Modeling of protein sequence and biophysical properties (such as structural, functional, and spatial information, amino acid conservation, physicochemical variation, residue mobility, and thermodynamic stability) indicates that this missense variant is not expected to disrupt CARD9 protein function with a negative predictive value of 80%. In summary, the available evidence is currently insufficient to determine the role of this variant in disease. Therefore, it has been classified as a Variant of Uncertain Significance.